The following is an entry in ClinVar:

NM_000169.3(GLA):c.247G>A (p.Asp83Asn)

Genes: GLA (galactosidase alpha; minus strand), RPL36A-HNRNPH2 (RPL36A-HNRNPH2 readthrough; plus strand). Cytogenetic location: Xq22.1.
Variant type: single nucleotide variant.
Coding change: c.247G>A on transcript NM_000169.3 (MANE Select); coding-DNA position 247, G replaced by A.
Protein change: p.Asp83Asn; replaces aspartic acid 83 with asparagine.
Molecular consequence: missense variant. On other transcripts: non-coding transcript variant (3), intron variant (2).
Genome position (GRCh38, 1-based): chrX:101,403,933, C>T on the plus strand (G>A on the coding strand, the complement: GLA is on the minus strand). VCF-style: chrX-101403933-C-T. GRCh37 (hg19) VCF-style: chrX-100658921-C-T.
Other names: c.370G>A, p.Asp124Asn (NM_001406747.1, NM_001406749.1); c.247G>A, p.Asp83Asn (NM_001406748.1); c.301-8003C>T (NM_001199973.2); c.178-8003C>T (NM_001199974.2); short protein forms D83N, D124N.
Identifiers: ClinVar variation 222202 (VCV000222202.31), dbSNP rs782722577, ClinGen allele CA030449.

ClinVar aggregate classification (germline): Conflicting classifications of pathogenicity. Review status: criteria provided, conflicting classifications (1 of 4 stars). 14 submissions from 14 submitters: Uncertain significance (10); Likely benign (1). 3 of the submissions do not count toward it. Last evaluated 2026-09-08.

Conditions:
Charcot-Marie-Tooth disease. Also called: Charcot-Marie-Tooth Hereditary Neuropathy; Charcot-Marie-Tooth Neuropathy. Identifiers: Orphanet 166, MedGen C0007959, MONDO:0015626.
Fabry disease. Also called: GLA DEFICIENCY; HEREDITARY DYSTOPIC LIPIDOSIS; Fabry's disease; Angiokeratoma corporis diffusum; Ceramide trihexosidosis; ALPHA-GALACTOSIDASE A DEFICIENCY. Identifiers: Orphanet 324, MedGen C0002986, MONDO:0010526, OMIM 301500, HP:0001071. Disease mechanism: loss of function, Fabry disease is due to inactivating mutations in the X-linked GLA gene resulting in deficiency of the enzyme Alpha Galactosidase-A..
Cardiovascular phenotype. Identifiers: MedGen CN230736.

Allele frequency attached by ClinVar (database versions not stated): gnomAD 0.00001; TOPMed 0.00001; ExAC 0.00002; gnomAD exomes 0.00002 and 0.00004.

Submissions (14):

Genomenon, Inc
Classification: Uncertain significance for Fabry disease. Last evaluated: 2026-09-08. Review status: criteria provided, single submitter. Criteria: Genomenon Sequence Variant Interpretation Standards - Updated. Collection method: curation. Allele origin: germline. Affected: no.
Comment: GLA p.Asp83Asn (c.247G>A) is a missense variant that changes the amino acid at codon 83 from Aspartic acid to Asparagine. This variant has been reported in the published literature (PMID:29227985;23306324;26070511;38002959;26652600;37441486;23935525;32023956;31036492;27657681). It is absent or not present at a significant frequency in gnomAD. In silico models predict that this variant is possibly or probably damaging. In conclusion, we classify GLA p.Asp83Asn (c.247G>A) as a variant of uncertain significance.

Molecular Diagnostic Laboratory for Inherited Cardiovascular Disease, Montreal Heart Institute
Classification: Uncertain significance for Cardiovascular phenotype. Last evaluated: 2025-04-09. Review status: criteria provided, single submitter. Criteria: ACMG Guidelines, 2015. Collection method: clinical testing. Allele origin: germline. Affected: yes.

Labcorp Genetics (formerly Invitae), Labcorp
Classification: Uncertain significance for Fabry disease. Last evaluated: 2024-11-26. Review status: criteria provided, single submitter. Criteria: Invitae Variant Classification Sherloc (09022015). Collection method: clinical testing. Allele origin: germline.
Comment: This sequence change replaces aspartic acid, which is acidic and polar, with asparagine, which is neutral and polar, at codon 83 of the GLA protein (p.Asp83Asn). This variant is present in population databases (rs782722577, gnomAD 0.005%). This missense change has been observed in individual(s) with reduced alpha-galactosidase activity on screening tests and/or individuals affected with stroke (PMID: 23306324, 23935525, 24365053, 26070511). ClinVar contains an entry for this variant (Variation ID: 222202). Invitae Evidence Modeling of protein sequence and biophysical properties (such as structural, functional, and spatial information, amino acid conservation, physicochemical variation, residue mobility, and thermodynamic stability) indicates that this missense variant is not expected to disrupt GLA protein function with a negative predictive value of 80%. Experimental studies are conflicting or provide insufficient evidence to determine the effect of this variant on GLA function (PMID: 27657681). In summary, the available evidence is currently insufficient to determine the role of this variant in disease. Therefore, it has been classified as a Variant of Uncertain Significance.

All of Us Research Program, National Institutes of Health
Classification: Uncertain significance for Fabry disease. Last evaluated: 2023-12-13. Review status: criteria provided, single submitter. Criteria: ACMG Guidelines, 2015. Collection method: clinical testing. Allele origin: germline. Inheritance: X-linked inheritance. Observed: 7 variant alleles, 5 heterozygotes, 2 homozygotes.
Comment: This missense variant replaces aspartic acid with asparagine at codon 83 of the GLA protein. Computational prediction is inconclusive regarding the impact of this variant on protein structure and function (internally defined REVEL score threshold 0.5 < inconclusive < 0.7, PMID: 27666373). A functional study has shown that this variant results in slightly reduced GLA enzyme activity (PMID: 27657681). GLA enzyme activity or Gb3 levels were reported to be normal in some of these patients (PMID: 24496231, 26070511, 29227985), as well as abnormal in a few others (PMID: 23306324, 24365053). This variant has also been reported in hemizygous state in one patient's brother, who showed no manifestations of Fabry disease, and had normal plasma and leukocyte GAL enzyme activities (PMID: 26070511). This variant has been identified in 4/183388 chromosomes in the general population by the Genome Aggregation Database (gnomAD). The available evidence is insufficient to determine the role of this variant in disease conclusively. Therefore, this variant is classified as a Variant of Uncertain Significance.

This study involves interpretation of variants in research participants for the purpose of population health screening. Participant phenotype was not available at the time of variant classification. Additional details can be found in publication PMID: 35346344, PMCID: PMC8962531

Color Diagnostics, LLC DBA Color Health
Classification: Uncertain significance for Fabry disease. Last evaluated: 2023-11-16. Review status: criteria provided, single submitter. Criteria: ACMG Guidelines, 2015. Collection method: clinical testing. Allele origin: germline.
Comment: This missense variant replaces aspartic acid with asparagine at codon 83 of the GLA protein. Computational prediction is inconclusive regarding the impact of this variant on protein structure and function. A functional study has shown that this variant results in slightly reduced GLA enzyme activity (PMID: 27657681). GLA enzyme activity or Gb3 levels were reported to be normal in some of these patients (PMID: 24496231, 26070511, 29227985), as well as abnormal in a few others (PMID: 23306324, 24365053). This variant has also been reported in hemizygous state in one patient's brother, who showed no manifestations of Fabry disease, and had normal plasma and leukocyte GAL enzyme activities (PMID: 26070511). This variant has been identified in 4/183388 chromosomes in the general population by the Genome Aggregation Database (gnomAD). The available evidence is insufficient to determine the role of this variant in disease conclusively. Therefore, this variant is classified as a Variant of Uncertain Significance.

Ambry Genetics
Classification: Uncertain significance for Cardiovascular phenotype. Last evaluated: 2022-12-22. Review status: criteria provided, single submitter. Criteria: Ambry Variant Classification Scheme 2023. Collection method: clinical testing. Allele origin: germline.
Comment: The p.D83N variant (also known as c.247G>A), located in coding exon 2 of the GLA gene, results from a G to A substitution at nucleotide position 247. The aspartic acid at codon 83 is replaced by asparagine, an amino acid with highly similar properties. This alteration has been identified in cohorts of subjects with stroke, heart disease and kidney disease (Lukas J et al. PLoS Genet., 2013 Aug;9:e1003632; Herrera J et al. Clin. Nephrol., 2014 Feb;81:112-20; Ferreira S et al. Clin. Chim. Acta, 2015 Jul;447:96-104; Schiffmann R et al. Genet. Med., 2018 07;20:754-759). Based on data from gnomAD, the A allele has an overall frequency of 0.0022% (4/183388) total alleles studied, with 0 hemizygote(s) observed. The highest observed frequency was 0.0049% (4/81872) of European (non-Finnish) alleles. This amino acid position is not well conserved in available vertebrate species. In addition, the in silico prediction for this alteration is inconclusive. Since supporting evidence is limited at this time, the clinical significance of this alteration remains unclear.

Genome-Nilou Lab
Classification: Uncertain significance for Fabry disease. Last evaluated: 2021-07-15. Review status: criteria provided, single submitter. Criteria: ACMG Guidelines, 2015. Collection method: clinical testing. Allele origin: germline. Affected: no.

Cambridge Genomics Laboratory, East Genomic Laboratory Hub, NHS Genomic Medicine Service
Classification: Uncertain significance for Charcot-Marie-Tooth disease. Last evaluated: 2019-12-11. Review status: criteria provided, single submitter. Criteria: ACGS Best Practice Guidelines for Variant Classification in Rare Disease 2020. Collection method: clinical testing. Allele origin: germline. Affected: yes. Observed: 1 variant allele.

GeneDx
Classification: Likely benign. Last evaluated: 2019-02-28. Review status: criteria provided, single submitter. Criteria: GeneDx Variant Classification Process June 2021. Collection method: clinical testing. Allele origin: germline. Affected: yes.
Comment: See Variant Classification Assertion Criteria.

Stanford Center for Inherited Cardiovascular Disease, Stanford University
Classification: Uncertain significance. Last evaluated: 2017-09-22. Review status: criteria provided, single submitter. Criteria: ACMG Guidelines, 2015. Collection method: provider interpretation. Allele origin: germline.

Eurofins Ntd Llc (ga)
Classification: Uncertain significance. Last evaluated: 2016-11-14. Review status: criteria provided, single submitter. Criteria: EGL Classification Definitions 2015. Collection method: clinical testing. Allele origin: germline. Observed: 1 variant allele, 1 heterozygote.

Natera, Inc.
Classification: Uncertain significance for Fabry disease. Last evaluated: 2020-09-16. Review status: no assertion criteria provided. Collection method: clinical testing. Allele origin: germline. Not counted in ClinVar's aggregate classification.

Clinical Genetics DNA and cytogenetics Diagnostics Lab, Erasmus MC, Erasmus Medical Center
Classification: Uncertain significance. Review status: no assertion criteria provided. Collection method: clinical testing. Allele origin: germline. Affected: yes. Study: VKGL Data-share Consensus. Not counted in ClinVar's aggregate classification.

Diagnostic Laboratory, Department of Genetics, University Medical Center Groningen
Classification: Uncertain significance for Fabry disease. Review status: no assertion criteria provided. Collection method: clinical testing. Allele origin: germline. Affected: yes. Study: VKGL Data-share Consensus. Not counted in ClinVar's aggregate classification.

Literature cited by the submitters: PubMed 29227985 (cited by 4 submitters); PubMed 23306324 (cited by 5 submitters); PubMed 26070511 (cited by 5 submitters); PubMed 38002959 (cited by Genomenon, Inc); PubMed 26652600 (cited by Genomenon, Inc); PubMed 37441486 (cited by Genomenon, Inc); PubMed 23935525 (cited by 5 submitters); PubMed 32023956 (cited by Genomenon, Inc); PubMed 31036492 (cited by Genomenon, Inc); PubMed 27657681 (cited by 4 submitters); PubMed 24365053 (cited by 4 submitters); PubMed 24496231 (cited by All of Us Research Program, National Institutes of Health and Color Diagnostics, LLC DBA Color Health).